The following is an entry in ClinVar:

NM_015450.3(POT1):c.703-1G>A

Gene: POT1 (protection of telomeres 1; minus strand). Cytogenetic location: 7q31.33.
Variant type: single nucleotide variant.
Coding change: c.703-1G>A on transcript NM_015450.3 (MANE Select); the canonical splice acceptor site of the intron before coding-DNA position 703, G replaced by A.
Molecular consequence: splice acceptor variant.
Genome position (GRCh38, 1-based): chr7:124,853,139, C>T on the plus strand (G>A on the coding strand, the complement: POT1 is on the minus strand). VCF-style: chr7-124853139-C-T. GRCh37 (hg19) VCF-style: chr7-124493193-C-T.
Other names: c.310-1G>A (NM_001042594.2).
Identifiers: ClinVar variation 1466521 (VCV001466521.6), dbSNP rs2116505401, ClinGen allele CA369055772.

ClinVar aggregate classification (germline): Likely pathogenic (1 of 4 stars; one submission).

Conditions:
Tumor predisposition syndrome 3 (TPDS3). Also called: Melanoma, cutaneous malignant, susceptibility to, 10; LONG TELOMERE SYNDROME, POT1-RELATED; POT1 Tumor Predisposition; Glioma susceptibility 9. Identifiers: Orphanet 618, MedGen C4014476, MONDO:0014368, OMIM 615848.

Submission:

Labcorp Genetics (formerly Invitae), Labcorp
Classification: Likely pathogenic for Tumor predisposition syndrome 3. Last evaluated: 2021-07-29. Review status: criteria provided, single submitter. Criteria: Invitae Variant Classification Sherloc (09022015). Collection method: clinical testing. Allele origin: germline.
Comment: This variant has not been reported in the literature in individuals affected with POT1-related conditions. In summary, the currently available evidence indicates that the variant is pathogenic, but additional data are needed to prove that conclusively. Therefore, this variant has been classified as Likely Pathogenic. Algorithms developed to predict the effect of sequence changes on RNA splicing suggest that this variant may disrupt the consensus splice site. This variant is not present in population databases (ExAC no frequency). This sequence change affects an acceptor splice site in intron 9 of the POT1 gene. It is expected to disrupt RNA splicing. Variants that disrupt the donor or acceptor splice site typically lead to a loss of protein function (PMID: 16199547), and loss-of-function variants in POT1 are known to be pathogenic (PMID: 32155570).

Literature cited by the submitters: PubMed 16199547; PubMed 32155570.